The following is an entry in ClinVar:

NM_000038.6(APC):c.4963A>G (p.Thr1655Ala)

Gene: APC (APC regulator of Wnt signaling pathway; plus strand). Cytogenetic location: 5q22.2.
Variant type: single nucleotide variant.
Coding change: c.4963A>G on transcript NM_000038.6 (MANE Select); coding-DNA position 4963, A replaced by G.
Protein change: p.Thr1655Ala; replaces threonine 1655 with alanine.
Molecular consequence: missense variant.
Genome position (GRCh38, 1-based): chr5:112,840,557, A>G. VCF-style: chr5-112840557-A-G. GRCh37 (hg19) VCF-style: chr5-112176254-A-G.
Other names: c.4963A>G, p.Thr1655Ala (NM_001127510.3, NM_001354895.2); c.4909A>G, p.Thr1637Ala (NM_001127511.3); c.5017A>G, p.Thr1673Ala (NM_001354896.2); c.4993A>G, p.Thr1665Ala (NM_001354897.2); c.4888A>G, p.Thr1630Ala (NM_001354898.2); c.4879A>G, p.Thr1627Ala (NM_001354899.2); c.4840A>G, p.Thr1614Ala (NM_001354900.2); c.4786A>G, p.Thr1596Ala (NM_001354901.2); and 5 more; short protein forms T1637A, T1655A, T1614A, T1673A, T1495A, T1564A, T1627A, T1665A.
Identifiers: ClinVar variation 236610 (VCV000236610.38), dbSNP rs759441332, ClinGen allele CA10582320.

ClinVar aggregate classification (germline): Conflicting classifications of pathogenicity. Review status: criteria provided, conflicting classifications (1 of 4 stars). 14 submissions from 14 submitters: Uncertain significance (12); Likely benign (1). 1 of the submissions does not count toward it. Last evaluated 2026-01-05.

Conditions:
Desmoid disease, hereditary (DESMD). Also called: FIBROMATOSIS, FAMILIAL INFILTRATIVE. Identifiers: Orphanet 873, MedGen C1851124, OMIM 135290. Disease mechanism: loss of function.
Gastric cancer. Also called: Stomach cancer; Malignant tumor of stomach. Identifiers: MedGen C0024623, MeSH D013274, MONDO:0001056, OMIM 613659, HP:0012126.
Familial adenomatous polyposis 1 (FAP1). Also called: POLYPOSIS, ADENOMATOUS INTESTINAL; FAMILIAL ADENOMATOUS POLYPOSIS 1, ATTENUATED. Identifiers: MedGen C2713442, MONDO:0021056, OMIM 175100. Disease mechanism: loss of function.
Gastric adenocarcinoma and proximal polyposis of the stomach (GAPPS). Also called: Polyposis, gastric, Dos Santos and de Magalhaes 1980; POLYPOSIS, GASTRIC; Gastric Adenocarcinoma and Proximal Polyposis of the Stomach (GAPPS). Identifiers: Orphanet 314022, MedGen C4749917, MONDO:0017790, OMIM 619182.
Hepatocellular carcinoma (HCC). Also called: Primary carcinoma of liver; HEPATOMA; LIVER CELL CARCINOMA. Identifiers: Orphanet 88673, MedGen C2239176, MONDO:0007256, OMIM 114550, HP:0001402.
Colorectal cancer. Also called: Colorectal cancer, somatic; Malignant Colorectal Neoplasm. Identifiers: MedGen C0346629, MONDO:0005575, OMIM 114500.
Classic or attenuated familial adenomatous polyposis. Identifiers: MedGen CN372698, MONDO:0021057.
Hereditary cancer-predisposing syndrome. Also called: Neoplastic Syndromes, Hereditary; Hereditary neoplastic syndrome; Hereditary Cancer Syndrome; Tumor predisposition. Identifiers: Orphanet 140162, MedGen C0027672, MeSH D009386, MONDO:0015356.

Allele frequency attached by ClinVar (database versions not stated): gnomAD 0.00001; gnomAD exomes 0.00002 and 0.00011; TOPMed 0.00002.
gnomAD v4.1: 171 of 1,614,024 alleles (0.011%); highest among the groups gnomAD compares: Non-Finnish European, 0.014%; no homozygotes.

Submissions (14):

Labcorp Genetics (formerly Invitae), Labcorp
Classification: Uncertain significance for Familial adenomatous polyposis 1. Last evaluated: 2026-01-05. Review status: criteria provided, single submitter. Criteria: Invitae Variant Classification Sherloc (09022015). Collection method: clinical testing. Allele origin: germline.
Comment: This sequence change replaces threonine, which is neutral and polar, with alanine, which is neutral and non-polar, at codon 1655 of the APC protein (p.Thr1655Ala). This variant is present in population databases (rs759441332, gnomAD 0.002%). This missense change has been observed in individual(s) with colorectal cancer (PMID: 30267214). ClinVar contains an entry for this variant (Variation ID: 236610). Invitae Evidence Modeling of protein sequence and biophysical properties (such as structural, functional, and spatial information, amino acid conservation, physicochemical variation, residue mobility, and thermodynamic stability) indicates that this missense variant is not expected to disrupt APC protein function with a negative predictive value of 95%. In summary, the available evidence is currently insufficient to determine the role of this variant in disease. Therefore, it has been classified as a Variant of Uncertain Significance.

Quest Diagnostics Nichols Institute San Juan Capistrano
Classification: Uncertain significance. Last evaluated: 2024-08-07. Review status: criteria provided, single submitter. Criteria: Quest Diagnostics criteria. Collection method: clinical testing. Allele origin: unknown.
Comment: The APC c.4963A>G (p.Thr1655Ala) variant has been reported in the published literature in individuals with colorectal cancer (PMID: 30267214 (2018)), breast cancer (PMID: 25186627 (2015)), and glioma (PMID: 26580448 (2015)). It has also been observed in a reportedly healthy individual (PMID: 18199528 (2008)). The frequency of this variant in the general population, 0.000044 (5/113144 chromosomes (Genome Aggregation Database)), is uninformative in the assessment of its pathogenicity. Analysis of this variant using bioinformatics tools for the prediction of the effect of amino acid changes on protein structure and function yielded predictions that this variant is damaging. Based on the available information, we are unable to determine the clinical significance of this variant.

All of Us Research Program, National Institutes of Health
Classification: Uncertain significance for Classic or attenuated familial adenomatous polyposis. Last evaluated: 2024-08-06. Review status: criteria provided, single submitter. Criteria: ACMG Guidelines, 2015. Collection method: clinical testing. Allele origin: germline. Inheritance: Autosomal dominant inheritance. Observed: 8 variant alleles, 8 heterozygotes.
Comment: This missense variant replaces threonine with alanine at codon 1655 of the APC protein. Computational prediction suggests that this variant may not impact protein structure and function (internally defined REVEL score threshold <= 0.5, PMID: 27666373). To our knowledge, functional studies have not been reported for this variant. This variant has been reported in individuals affected with glioma, breast, and colorectal cancer in the literature (PMID: 25186627, 26580448,30267214), and has also been reported in a healthy individual (PMID: 18199528). This variant has been identified in 6/250776 chromosomes in the general population by the Genome Aggregation Database (gnomAD). The available evidence is insufficient to determine the role of this variant in disease conclusively. Therefore, this variant is classified as a Variant of Uncertain Significance.

This study involves interpretation of variants in research participants for the purpose of population health screening. Participant phenotype was not available at the time of variant classification. Additional details can be found in publication PMID: 35346344, PMCID: PMC8962531

Color Diagnostics, LLC DBA Color Health
Classification: Uncertain significance for Hereditary cancer-predisposing syndrome. Last evaluated: 2024-04-23. Review status: criteria provided, single submitter. Criteria: ACMG Guidelines, 2015. Collection method: clinical testing. Allele origin: germline.
Comment: This missense variant replaces threonine with alanine at codon 1655 of the APC protein. Computational prediction suggests that this variant may not impact protein structure and function (internally defined REVEL score threshold <= 0.5, PMID: 27666373). To our knowledge, functional studies have not been reported for this variant. This variant has been reported in individuals affected with glioma, breast, and colorectal cancer in the literature (PMID: 25186627, 26580448,30267214), and has also been reported in a healthy individual (PMID: 18199528). This variant has been identified in 6/250776 chromosomes in the general population by the Genome Aggregation Database (gnomAD). The available evidence is insufficient to determine the role of this variant in disease conclusively. Therefore, this variant is classified as a Variant of Uncertain Significance.

Baylor Genetics
Classification: Uncertain significance for Familial adenomatous polyposis 1. Last evaluated: 2024-02-06. Review status: criteria provided, single submitter. Criteria: ACMG Guidelines, 2015. Collection method: clinical testing. Allele origin: unknown.

GeneDx
Classification: Uncertain significance. Last evaluated: 2023-03-03. Review status: criteria provided, single submitter. Criteria: GeneDx Variant Classification Process June 2021. Collection method: clinical testing. Allele origin: germline. Affected: yes.
Comment: In silico analysis supports that this missense variant does not alter protein structure/function; Observed in individuals with colorectal cancer and/or polyps, breast cancer, and glioma (Tung et al., 2015; Zhang et al., 2015; Rosenthal et al., 2018); This variant is associated with the following publications: (PMID: 25186627, 18199528, 30267214, 26580448)

Myriad Genetics, Inc.
Classification: Uncertain significance for Familial adenomatous polyposis 1. Last evaluated: 2023-02-15. Review status: criteria provided, single submitter. Criteria: Myriad Autosomal Dominant, Autosomal Recessive and X-Linked Classification Criteria (2023). Collection method: clinical testing. Allele origin: unknown.
Comment: This variant is classified as a variant of uncertain significance as there is insufficient evidence to determine its impact on protein function and/or cancer risk.

Sema4
Classification: Uncertain significance for Hereditary cancer-predisposing syndrome. Last evaluated: 2021-11-15. Review status: criteria provided, single submitter. Criteria: Sema4 Curation Guidelines. Collection method: curation. Allele origin: germline.
Comment: The APC c.4963A>G (p.T1655A) variant has been reported in heterozygosity in 4 individuals with breast cancer, colorectal cancer and glioma (PMID: 25186627, 30267214, 26580448) and was also identified in a healthy control (PMID: 18199528). This variant was observed in 5/113144 chromosomes in the Non-Finnish European population, according to the Genome Aggregation Database (PMID: 32461654). The variant has been reported in ClinVar (Variation ID 236610). Functional studies have not been performed, and in silico predictions of the variant's effect on protein function are inconclusive. The overall evidence is inconsistent with ACMG/AMP requirements for a classification of benign or pathogenic. In summary, the clinical significance of this variant is currently uncertain.

Fulgent Genetics
Classification: Uncertain significance for Colorectal cancer; Hepatocellular carcinoma; Desmoid disease, hereditary; Familial adenomatous polyposis 1; Gastric cancer; Gastric adenocarcinoma and proximal polyposis of the stomach. Last evaluated: 2021-08-18. Review status: criteria provided, single submitter. Criteria: ACMG Guidelines, 2015. Collection method: clinical testing. Allele origin: unknown.

Ambry Genetics
Classification: Likely benign for Hereditary cancer-predisposing syndrome. Last evaluated: 2020-11-19. Review status: criteria provided, single submitter. Criteria: Ambry Variant Classification Scheme 2023. Collection method: clinical testing. Allele origin: germline.

Department of Pathology and Laboratory Medicine, Sinai Health System
Classification: Uncertain significance for Familial adenomatous polyposis 1; Desmoid disease, hereditary. Last evaluated: 2020-11-19. Review status: criteria provided, single submitter. Criteria: ACMG Guidelines, 2015. Collection method: clinical testing. Allele origin: germline. Affected: yes.

PreventionGenetics, part of Exact Sciences
Classification: Uncertain significance. Last evaluated: 2017-07-31. Review status: criteria provided, single submitter. Criteria: ACMG Guidelines, 2015. Collection method: clinical testing. Allele origin: germline.

Women's Health and Genetics/Laboratory Corporation of America, LabCorp
Classification: Uncertain significance. Last evaluated: 2017-04-13. Review status: criteria provided, single submitter. Criteria: LabCorp Variant Classification Summary - May 2015. Collection method: clinical testing. Allele origin: germline.
Comment: Variant summary: The APC c.4963A>G (p.Thr1655Ala) variant involves the alteration of a conserved nucleotide and 3/4 in silico tools (SNPs&GO not captured due to low reliability index) predict a damaging outcome, although these predictions have yet to be functionally assessed. This variant was found in 1/123124 control chromosomes at a frequency of 0.0000081, which does not exceed the estimated maximal expected allele frequency of a pathogenic APC variant (0.0000714). In addition, multiple clinical diagnostic laboratories classified this variant as uncertain significance. The variant of interest has not, to our knowledge, been reported in affected individuals via publications. Because of the absence of clinical information and the lack of functional studies, the variant is classified as a Variant of Uncertain Significance (VUS), until additional information becomes available.

Counsyl
Classification: Uncertain significance for Familial adenomatous polyposis 1. Last evaluated: 2016-06-16. Review status: no assertion criteria provided. Collection method: clinical testing. Allele origin: unknown. Not counted in ClinVar's aggregate classification.

Literature cited by the submitters: PubMed 30267214 (cited by 5 submitters); PubMed 18199528 (cited by 8 submitters); PubMed 25186627 (cited by 5 submitters); PubMed 26580448 (cited by 4 submitters); PubMed 31613886 (cited by Quest Diagnostics Nichols Institute San Juan Capistrano).